The following is an entry in ClinVar:

ClinVar aggregate classification (germline): Likely benign (1 of 4 stars; one submission).

Submission:

CeGaT Center for Human Genetics Tuebingen
Classification: Likely benign. Last evaluated: 2023-01-01. Review status: criteria provided, single submitter. Criteria: CeGaT Center For Human Genetics Tuebingen Variant Classification Criteria Version 2. Collection method: clinical testing. Allele origin: germline. Affected: yes. Observed: 1 variant allele.
Comment: CHADL: PM2:Supporting, BP4, BP7

NM_138481.2(CHADL):c.187C>T (p.Leu63=)

Gene: CHADL (chondroadherin like; minus strand). Cytogenetic location: 22q13.2.
Variant type: single nucleotide variant.
Coding change: c.187C>T on transcript NM_138481.2 (MANE Select); coding-DNA position 187, C replaced by T.
Protein change: p.Leu63=; no amino-acid change (leucine 63 retained).
Molecular consequence: synonymous variant.
Genome position (GRCh38, 1-based): chr22:41,238,885, G>A on the plus strand (C>T on the coding strand, the complement: CHADL is on the minus strand). VCF-style: chr22-41238885-G-A. GRCh37 (hg19) VCF-style: chr22-41634889-G-A.
Identifiers: ClinVar variation 2653225 (VCV002653225.24), dbSNP rs2517908955, ClinGen allele CA514796476.